The following is an entry in ClinVar:

ClinVar aggregate classification (germline): Benign. Review status: criteria provided, multiple submitters, no conflicts (2 of 4 stars). 15 submissions from 15 submitters: Benign (13). 2 of the submissions do not count toward it. Last evaluated 2026-02-04.

Conditions:
Hereditary cancer-predisposing syndrome. Also called: Hereditary Cancer Syndrome; Neoplastic Syndromes, Hereditary; Tumor predisposition; Hereditary neoplastic syndrome. Identifiers: Orphanet 140162, MedGen C0027672, MeSH D009386, MONDO:0015356.
Oligodontia-cancer predisposition syndrome. Also called: TOOTH AGENESIS-COLORECTAL CANCER SYNDROME. Identifiers: Orphanet 300576, MedGen C1837750, MONDO:0012075, OMIM 608615. Disease mechanism: loss of function.

Submissions (15):

Labcorp Genetics (formerly Invitae), Labcorp
Classification: Benign for Oligodontia-cancer predisposition syndrome. Last evaluated: 2026-02-04. Review status: criteria provided, single submitter. Criteria: Invitae Variant Classification Sherloc (09022015). Collection method: clinical testing. Allele origin: germline.

Dasa
Classification: Benign. Last evaluated: 2025-12-19. Review status: criteria provided, single submitter. Criteria: DASA Assertion Criteria. Collection method: clinical testing. Allele origin: germline.
Comment: NM_004655.4(AXIN2):c.2013_2024del (p.Thr672_Arg675del) is interpreted as benign based on a combination of available evidence, which may include population frequency, observations in unaffected individuals, intact protein function, lack of segregation with disease, in silico models, amino acid conservation, lack of disease association in case-control studies, and/or inconsistency with the known disease mechanism or impacted region. Based on the available data, this variant is classified as benign.

Quest Diagnostics Nichols Institute San Juan Capistrano
Classification: Benign. Last evaluated: 2025-05-14. Review status: criteria provided, single submitter. Criteria: Quest Diagnostics criteria. Collection method: clinical testing. Allele origin: unknown.

Center for Genomic Medicine, Rigshospitalet, Copenhagen University Hospital
Classification: Benign. Last evaluated: 2025-03-04. Review status: criteria provided, single submitter. Criteria: ACMG Guidelines, 2015. Collection method: clinical testing. Allele origin: germline.

Myriad Genetics, Inc.
Classification: Benign for Oligodontia-cancer predisposition syndrome. Last evaluated: 2024-07-09. Review status: criteria provided, single submitter. Criteria: Myriad Autosomal Dominant, Autosomal Recessive and X-Linked Classification Criteria (2023). Collection method: clinical testing. Allele origin: unknown.
Comment: This variant is considered benign. This variant has been observed at a population frequency that is significantly greater than expected given the associated disease prevalence and penetrance.

ARUP Laboratories, Molecular Genetics and Genomics, ARUP Laboratories
Classification: Benign. Last evaluated: 2023-11-28. Review status: criteria provided, single submitter. Criteria: ARUP Molecular Germline Variant Investigation Process 2024. Collection method: clinical testing. Allele origin: germline.

KCCC/NGS Laboratory, Kuwait Cancer Control Center
Classification: Benign for Oligodontia-cancer predisposition syndrome. Last evaluated: 2023-07-07. Review status: criteria provided, single submitter. Criteria: ACMG Guidelines, 2015. Collection method: clinical testing. Allele origin: germline. Affected: yes.

Mayo Clinic Laboratories, Mayo Clinic
Classification: Benign. Last evaluated: 2023-07-05. Review status: criteria provided, single submitter. Criteria: ACMG Guidelines, 2015. Collection method: clinical testing. Allele origin: germline. Observed: 9 variant alleles.
Comment: BA1, BP4

Department of Pathology and Laboratory Medicine, Sinai Health System
Classification: Benign for Oligodontia-cancer predisposition syndrome. Last evaluated: 2022-10-27. Review status: criteria provided, single submitter. Criteria: ACMG Guidelines, 2015. Collection method: clinical testing. Allele origin: germline. Affected: yes.

Women's Health and Genetics/Laboratory Corporation of America, LabCorp
Classification: Benign. Last evaluated: 2021-01-11. Review status: criteria provided, single submitter. Criteria: LabCorp Variant Classification Summary - May 2015. Collection method: clinical testing. Allele origin: germline.
Comment: Variant summary: AXIN2 c.2013_2024del12 (p.Thr672_Arg675del) results in an in-frame deletion that is predicted to remove 4 amino acids from the encoded protein. The variant allele was found at a frequency of 0.0055 in 244704 control chromosomes, predominantly at a frequency of 0.075 within the African or African-American subpopulation in the gnomAD database, including 44 homozygotes. The observed variant frequency within African or African-American control individuals in the gnomAD database is approximately 528-fold of the estimated maximal expected allele frequency for a pathogenic variant in AXIN2 causing Colorectal Cancer phenotype (0.00014), strongly suggesting that the variant is a benign polymorphism found primarily in populations of African or African-American origin. A co-occurrence with a pathogenic variant has been reported (PMS2 c.2186_2187delTC, p.Leu729GlnfsX6; Internal testing), providing further supporting evidence for a benign role. Three ClinVar submitters (evaluation after 2014) cite the variant as benign. Based on the evidence outlined above, the variant was classified as benign.

Ambry Genetics
Classification: Benign for Hereditary cancer-predisposing syndrome. Last evaluated: 2018-09-21. Review status: criteria provided, single submitter. Criteria: Ambry Variant Classification Scheme 2023. Collection method: clinical testing. Allele origin: germline.

GeneDx
Classification: Benign. Last evaluated: 2018-06-10. Review status: criteria provided, single submitter. Criteria: GeneDx Variant Classification Process June 2021. Collection method: clinical testing. Allele origin: germline. Affected: yes.
Comment: This variant is associated with the following publications: (PMID: 26514524)

PreventionGenetics, part of Exact Sciences
Classification: Benign. Review status: criteria provided, single submitter. Criteria: ACMG Guidelines, 2015. Collection method: clinical testing. Allele origin: germline.

Clinical Genetics, Academic Medical Center
Classification: Benign. Review status: no assertion criteria provided. Collection method: clinical testing. Allele origin: germline. Affected: yes. Study: VKGL Data-share Consensus. Not counted in ClinVar's aggregate classification.

Laboratory of Diagnostic Genome Analysis, Leiden University Medical Center (LUMC)
Classification: Benign. Review status: no assertion criteria provided. Collection method: clinical testing. Allele origin: germline. Affected: yes. Study: VKGL Data-share Consensus. Not counted in ClinVar's aggregate classification.

NM_004655.4(AXIN2):c.2013_2024del (p.Thr672_Arg675del)

Gene: AXIN2 (axin 2; minus strand). Cytogenetic location: 17q24.1.
Variant type: Deletion.
Coding change: c.2013_2024del on transcript NM_004655.4 (MANE Select); coding-DNA positions 2013 to 2024, 12 bases deleted (CACCACCCCCCG).
Protein change: p.Thr672_Arg675del.
Molecular consequence: inframe deletion.
Genome position (GRCh38, 1-based): chr17:65,536,437-65,536,448, CGGGGGGTGGTG deleted on the plus strand (CACCACCCCCCG on the coding strand, the reverse complement: AXIN2 is on the minus strand); deleting any 12 consecutive bases within chr17:65,536,437-65,536,454 gives the same sequence; the c. name uses the placement nearest the transcript's 3' end. VCF-style (leftmost placement, unchanged base first): chr17-65536436-ACGGGGGGTGGTG-A. GRCh37 (hg19) VCF-style: chr17-63532554-ACGGGGGGTGGTG-A.
Other names: p.Thr672_Arg675del; c.2013_2024del (LRG_296t1, NM_004655.3); c.2013_2024delCACCACCCCCCG (NM_004655.4); c.1818_1829del, p.Thr607_Arg610del (NM_001363813.1).
Identifiers: ClinVar variation 182018 (VCV000182018.74), dbSNP rs151279728, ClinGen allele CA298415.